The following is an entry in ClinVar:

ClinVar aggregate classification (germline): Pathogenic (1 of 4 stars; one submission).

Conditions:
Combined malonic and methylmalonic acidemia. Identifiers: Orphanet 289504, MedGen C3280314, MONDO:0013661, OMIM 614265.

Submission:

Labcorp Genetics (formerly Invitae), Labcorp
Classification: Pathogenic for Combined malonic and methylmalonic acidemia. Last evaluated: 2023-12-05. Review status: criteria provided, single submitter. Criteria: Invitae Variant Classification Sherloc (09022015). Collection method: clinical testing. Allele origin: germline.
Comment: This sequence change creates a premature translational stop signal (p.Met301Alafs*23) in the ACSF3 gene. It is expected to result in an absent or disrupted protein product. Loss-of-function variants in ACSF3 are known to be pathogenic (PMID: 21841779, 26827111). This variant is not present in population databases (gnomAD no frequency). This variant has not been reported in the literature in individuals affected with ACSF3-related conditions. For these reasons, this variant has been classified as Pathogenic.

Literature cited by the submitters: PubMed 21841779; PubMed 26827111.

NM_001243279.3(ACSF3):c.896_899dup (p.Met301fs)

Gene: ACSF3 (acyl-CoA synthetase family member 3; plus strand). Cytogenetic location: 16q24.3.
Variant type: Duplication.
Coding change: c.896_899dup on transcript NM_001243279.3 (MANE Select); coding-DNA positions 896 to 899, 4 bases duplicated (AGCT; older notation c.896_899dupAGCT).
Protein change: p.Met301fs; shifts the reading frame from methionine 301.
Molecular consequence: frameshift variant. On other transcripts: non-coding transcript variant (3).
Genome position (GRCh38, 1-based): chr16:89,112,165-89,112,168, AGCT duplicated. VCF-style (leftmost placement, unchanged base first): chr16-89112164-A-AAGCT. GRCh37 (hg19) VCF-style: chr16-89178572-A-AAGCT.
Other names: c.896_899dup, p.Met301fs (NM_001127214.4, NM_174917.5); c.101_104dup, p.Met36fs (NM_001284316.2); short protein forms M301fs, M36fs.
Identifiers: ClinVar variation 2820431 (VCV002820431.3), dbSNP rs2543607458, ClinGen allele CA2739265527.